The following is an entry in ClinVar:

NM_000540.3(RYR1):c.13776C>T (p.Asp4592=)

Gene: RYR1 (ryanodine receptor 1; plus strand). Cytogenetic location: 19q13.2.
Variant type: single nucleotide variant.
Coding change: c.13776C>T on transcript NM_000540.3 (MANE Select); coding-DNA position 13776, C replaced by T.
Protein change: p.Asp4592=; no amino-acid change (aspartic acid 4592 retained).
Molecular consequence: synonymous variant.
Genome position (GRCh38, 1-based): chr19:38,572,048, C>T. VCF-style: chr19-38572048-C-T. GRCh37 (hg19) VCF-style: chr19-39062688-C-T.
Other names: c.13761C>T, p.Asp4587= (NM_001042723.2).
Identifiers: ClinVar variation 699718 (VCV000699718.12), dbSNP rs200427549, ClinGen allele CA060531.
Genomic context (GRCh38, chr19:38,572,048, plus strand): 5'-ACCCACAGATGAATCTCTGTCCCCATTTCAGGTCTCAGACTCTCCACCAGGGGAGGACGA[C>T]ATGGAAGGCTCAGCTGCTGGGGATGTGTCAGGTGCAGGCTCTGGTGGCAGCTCTGGCTGG-3'
Protein context (NP_000531.2, residues 4582-4602): KVSDSPPGED[Asp4592=]MEGSAAGDVS

ClinVar aggregate classification (germline): Likely benign. Review status: criteria provided, multiple submitters, no conflicts (2 of 4 stars). 2 submissions from 2 submitters: Likely benign (2). Last evaluated 2025-07-29.

Conditions:
Malignant hyperthermia, susceptibility to, 1 (MHS1). Also called: Anesthesia related hyperthermia; Malignant hyperpyrexia; Fulminating hyperpyrexia; Pharmacogenic myopathy; Malignant hyperthermia suceptibility 1; RYR1-Related Malignant Hyperthermia Susceptibility. Identifiers: Orphanet 423, MedGen C2930980, MONDO:0007783, OMIM 145600.
RYR1-related disorder. Also called: RYR1-related condition; RYR1-related disorders. Identifiers: MedGen CN239331.

Allele frequency attached by ClinVar (database versions not stated): gnomAD 0.00001; ExAC 0.00002; TOPMed 0.00002; gnomAD exomes 0.00003; 1000 Genomes Project 30x 0.00016; 1000 Genomes Project 0.00020.
gnomAD v4.1: 50 of 1,614,104 alleles (0.0031%); highest among the groups gnomAD compares: Admixed American, 0.015%; no homozygotes.

Submissions (2):

Labcorp Genetics (formerly Invitae), Labcorp
Classification: Likely benign for RYR1-related disorder. Last evaluated: 2025-07-29. Review status: criteria provided, single submitter. Criteria: Invitae Variant Classification Sherloc (09022015). Collection method: clinical testing. Allele origin: germline.

All of Us Research Program, National Institutes of Health
Classification: Likely benign for Malignant hyperthermia, susceptibility to, 1. Last evaluated: 2024-01-03. Review status: criteria provided, single submitter. Criteria: ACMG Guidelines, 2015. Collection method: clinical testing. Allele origin: germline. Inheritance: Autosomal dominant inheritance. Observed: 7 variant alleles, 7 heterozygotes.
Comment: This study involves interpretation of variants in research participants for the purpose of population health screening. Participant phenotype was not available at the time of variant classification. Additional details can be found in publication PMID: 35346344, PMCID: PMC8962531